The following is an entry in ClinVar:

ClinVar aggregate classification (germline): Uncertain significance (1 of 4 stars; one submission).

Submission:

Labcorp Genetics (formerly Invitae), Labcorp
Classification: Uncertain significance. Last evaluated: 2024-03-11. Review status: criteria provided, single submitter. Criteria: Invitae Variant Classification Sherloc (09022015). Collection method: clinical testing. Allele origin: germline.
Comment: This sequence change replaces glutamine, which is neutral and polar, with arginine, which is basic and polar, at codon 140 of the NDUFAF4 protein (p.Gln140Arg). Information on the frequency of this variant in the gnomAD database is not available, as this variant may be reported differently in the database. This variant has not been reported in the literature in individuals affected with NDUFAF4-related conditions. ClinVar contains an entry for this variant (Variation ID: 1968457). An algorithm developed to predict the effect of missense changes on protein structure and function (PolyPhen-2) suggests that this variant is likely to be tolerated. In summary, the available evidence is currently insufficient to determine the role of this variant in disease. Therefore, it has been classified as a Variant of Uncertain Significance.

NM_014165.4(NDUFAF4):c.419_420delinsGA (p.Gln140Arg)

Gene: NDUFAF4 (NADH:ubiquinone oxidoreductase complex assembly factor 4; minus strand). Cytogenetic location: 6q16.1.
Variant type: Indel.
Coding change: c.419_420delinsGA on transcript NM_014165.4 (MANE Select); coding-DNA positions 419 to 420, AG replaced by GA.
Protein change: p.Gln140Arg; replaces glutamine 140 with arginine.
Molecular consequence: missense variant.
Genome position (GRCh38, 1-based): chr6:96,891,212-96,891,213, CT replaced by TC on the plus strand (AG replaced by GA on the coding strand, the reverse complement: NDUFAF4 is on the minus strand). VCF-style: chr6-96891212-CT-TC. GRCh37 (hg19) VCF-style: chr6-97339088-CT-TC.
Other names: short protein forms Q140R.
Identifiers: ClinVar variation 1968457 (VCV001968457.5), dbSNP rs2483226946, ClinGen allele CA2580075969.